The following is an entry in ClinVar:

ClinVar aggregate classification (germline): Pathogenic (1 of 4 stars; one submission).

Conditions:
Trichorhinophalangeal dysplasia type I (TRPS1). Also called: TRICHORHINOPHALANGEAL SYNDROME, TYPE I; TRPS I. Identifiers: Orphanet 77258, MedGen C0432233, MONDO:0008596, OMIM 190350.

Submission:

Laboratory of Medical Genetics, National & Kapodistrian University of Athens
Classification: Pathogenic for Trichorhinophalangeal dysplasia type I. Last evaluated: 2021-08-10. Review status: criteria provided, single submitter. Criteria: ACMG Guidelines, 2015. Collection method: clinical testing. Allele origin: de novo. Affected: yes.
Comment: PVS1, PS2, PM2, PP3

NM_014112.5(TRPS1):c.2090dup (p.His697fs)

Gene: TRPS1 (transcriptional repressor GATA binding 1; minus strand). Cytogenetic location: 8q23.3.
Variant type: Duplication.
Coding change: c.2090dup on transcript NM_014112.5 (MANE Select); coding-DNA position 2090, one base duplicated (A; older notation c.2090dupA).
Protein change: p.His697fs; shifts the reading frame from histidine 697.
Molecular consequence: frameshift variant.
Genome position (GRCh38, 1-based): chr8:115,603,879, T duplicated on the plus strand (A on the coding strand, the reverse complement: TRPS1 is on the minus strand). VCF-style (leftmost placement, unchanged base first): chr8-115603878-G-GT. GRCh37 (hg19) VCF-style: chr8-116616105-G-GT.
Other names: c.2090dupA (NM_014112.5); c.2063dup, p.His688fs (NM_001282902.3); c.2069dup, p.His690fs (NM_001282903.3); c.2051dup, p.His684fs (NM_001330599.2); short protein forms H684fs, H688fs, H690fs, H697fs.
Identifiers: ClinVar variation 1299557 (VCV001299557.1), dbSNP rs2130489877, ClinGen allele CA2499219100.